The following is an entry in ClinVar:

NM_007137.5(ZNF81):c.1911G>A (p.Pro637=)

Gene: ZNF81 (zinc finger protein 81; plus strand). Cytogenetic location: Xp11.23.
Variant type: single nucleotide variant.
Coding change: c.1911G>A on transcript NM_007137.5 (MANE Select); coding-DNA position 1911, G replaced by A.
Protein change: p.Pro637=; no amino-acid change (proline 637 retained).
Molecular consequence: synonymous variant. On other transcripts: intron variant (2).
Genome position (GRCh38, 1-based): chrX:47,916,557, G>A. VCF-style: chrX-47916557-G-A. GRCh37 (hg19) VCF-style: chrX-47775956-G-A.
Other names: c.1911G>A, p.Pro637= (NM_001378152.1, NM_001378153.1); c.278-7367G>A (NM_001378154.1); c.278-4751G>A (NM_001378155.1).
Identifiers: ClinVar variation 130854 (VCV000130854.11), dbSNP rs663514, ClinGen allele CA156170.
Genomic context (GRCh38, chrX:47,916,557, plus strand): 5'-AGCCTTCACTGATAGGTCAAATTTCAATAAACATCAGACAATTCATACTGGAGATAAACC[G>A]TATAAATGCAGCGACTGTGGAAAGGGGTTCACCCAGAAATCAGTTCTCAGTATGCATCGC-3'
Protein context (NP_009068.2, residues 627-647): KHQTIHTGDK[Pro637=]YKCSDCGKGF

ClinVar aggregate classification (germline): Benign. Review status: criteria provided, multiple submitters, no conflicts (2 of 4 stars). 3 submissions from 3 submitters: Benign (2). 1 of the submissions does not count toward it. Last evaluated 2014-12-13.

Allele frequency attached by ClinVar (database versions not stated): gnomAD exomes 0.00571 and 0.01581; ExAC 0.02060; 1000 Genomes Project 0.05377; gnomAD 0.05401 and 0.05818; 1000 Genomes Project 30x 0.05640; ESP Exome Variant Server 0.06124; TOPMed 0.06229.
gnomAD v4.1: 12,634 of 1,200,666 alleles (1.1%); highest among the groups gnomAD compares: African/African-American, 19%; 827 homozygotes.

Submissions (3):

Ambry Genetics
Classification: Benign. Last evaluated: 2014-12-13. Review status: criteria provided, single submitter. Criteria: Ambry Variant Classification Scheme 2023. Collection method: clinical testing. Allele origin: germline.

Breakthrough Genomics
Classification: Benign. Review status: criteria provided, single submitter. Criteria: ACMG Guidelines, 2015. Collection method: not provided. Allele origin: germline. Inheritance: Unknown mechanism. Affected: yes.

Genetic Services Laboratory, University of Chicago
Classification: Likely benign for AllHighlyPenetrant. Review status: no assertion criteria provided. Collection method: clinical testing. Allele origin: germline. Inheritance: X-linked inheritance. Not counted in ClinVar's aggregate classification.
Comment: Likely benign based on allele frequency in 1000 Genomes Project or ESP global frequency and its presence in a patient with a rare or unrelated disease phenotype. NOT Sanger confirmed.